The following is an entry in ClinVar:

NM_033064.5(ATCAY):c.*2394C>T

Gene: ATCAY (ATCAY kinesin light chain interacting caytaxin; plus strand). Cytogenetic location: 19p13.3.
Variant type: single nucleotide variant.
Coding change: c.*2394C>T on transcript NM_033064.5 (MANE Select); 2394 bases downstream of the stop codon, C replaced by T.
Molecular consequence: 3 prime UTR variant.
Genome position (GRCh38, 1-based): chr19:3,926,986, C>T. VCF-style: chr19-3926986-C-T. GRCh37 (hg19) VCF-style: chr19-3926984-C-T.
Identifiers: ClinVar variation 893189 (VCV000893189.4), dbSNP rs10406812, ClinGen allele CA304406154.

ClinVar aggregate classification (germline): Benign (1 of 4 stars; one submission).

Conditions:
Cayman type cerebellar ataxia. Also called: Cayman ataxia. Identifiers: Orphanet 94122, MedGen C1832585, MONDO:0011025, OMIM 601238.

Allele frequency attached by ClinVar (database versions not stated): gnomAD 0.00687 and 0.00732; TOPMed 0.00746; 1000 Genomes Project 0.00839; 1000 Genomes Project 30x 0.00874.

Submission:

Illumina Laboratory Services, Illumina
Classification: Benign for Cayman type cerebellar ataxia. Last evaluated: 2017-04-27. Review status: criteria provided, single submitter. Criteria: ICSL Variant Classification Criteria 13 December 2019. Collection method: clinical testing. Allele origin: germline.
Comment: This variant was observed as part of a predisposition screen in an ostensibly healthy population. A literature search was performed for the gene, cDNA change, and amino acid change (where applicable). No publications were found based on this search. Allele frequency data from public databases was too high to be consistent with this variant causing disease. Therefore, this variant is classified as benign.